The following is an entry in ClinVar:

ClinVar aggregate classification (germline): Uncertain significance (1 of 4 stars; one submission).

Allele frequency attached by ClinVar (database versions not stated): gnomAD exomes below 0.00001.
gnomAD v4.1: 1 of 1,613,724 alleles (0.000062%); highest among the groups gnomAD compares: Non-Finnish European, 0.000085%; no homozygotes.

Submission:

Labcorp Genetics (formerly Invitae), Labcorp
Classification: Uncertain significance. Last evaluated: 2022-05-31. Review status: criteria provided, single submitter. Criteria: Invitae Variant Classification Sherloc (09022015). Collection method: clinical testing. Allele origin: germline.
Comment: This sequence change replaces valine, which is neutral and non-polar, with alanine, which is neutral and non-polar, at codon 3094 of the ADGRV1 protein (p.Val3094Ala). This variant is not present in population databases (gnomAD no frequency). This variant has not been reported in the literature in individuals affected with ADGRV1-related conditions. Algorithms developed to predict the effect of missense changes on protein structure and function output the following: SIFT: "Deleterious"; PolyPhen-2: "Benign"; Align-GVGD: "Class C0". The alanine amino acid residue is found in multiple mammalian species, which suggests that this missense change does not adversely affect protein function. In summary, the available evidence is currently insufficient to determine the role of this variant in disease. Therefore, it has been classified as a Variant of Uncertain Significance.

NM_032119.4(ADGRV1):c.9281T>C (p.Val3094Ala)

Gene: ADGRV1 (adhesion G protein-coupled receptor V1; plus strand). Cytogenetic location: 5q14.3.
Variant type: single nucleotide variant.
Coding change: c.9281T>C on transcript NM_032119.4 (MANE Select); coding-DNA position 9281, T replaced by C.
Protein change: p.Val3094Ala; replaces valine 3094 with alanine.
Molecular consequence: missense variant. On other transcripts: non-coding transcript variant (1).
Genome position (GRCh38, 1-based): chr5:90,716,563, T>C. VCF-style: chr5-90716563-T-C. GRCh37 (hg19) VCF-style: chr5-90012380-T-C.
Other names: short protein forms V3094A.
Identifiers: ClinVar variation 1995745 (VCV001995745.4), dbSNP rs2531210634, ClinGen allele CA360397248.